The following is an entry in ClinVar:

NM_030665.4(RAI1):c.2544C>T (p.Ala848=)

Gene: RAI1 (retinoic acid induced 1; plus strand). Cytogenetic location: 17p11.2.
Variant type: single nucleotide variant.
Coding change: c.2544C>T on transcript NM_030665.4 (MANE Select); coding-DNA position 2544, C replaced by T.
Protein change: p.Ala848=; no amino-acid change (alanine 848 retained).
Molecular consequence: synonymous variant.
Genome position (GRCh38, 1-based): chr17:17,795,492, C>T. VCF-style: chr17-17795492-C-T. GRCh37 (hg19) VCF-style: chr17-17698806-C-T.
Identifiers: ClinVar variation 436489 (VCV000436489.13), dbSNP rs777023372, ClinGen allele CA8418562.

ClinVar aggregate classification (germline): Conflicting classifications of pathogenicity. Review status: criteria provided, conflicting classifications (1 of 4 stars). 5 submissions from 5 submitters: Uncertain significance (1); Likely benign (3). 1 of the submissions does not count toward it. Last evaluated 2025-04-02.

Conditions:
Inborn genetic diseases. Identifiers: MedGen C0950123, MeSH D030342.
RAI1-related disorder. Also called: RAI1-related condition.

Allele frequency attached by ClinVar (database versions not stated): gnomAD exomes 0.00001 and 0.00002; gnomAD 0.00003; TOPMed 0.00003; ExAC 0.00004.
gnomAD v4.1: 15 of 1,585,944 alleles (0.00095%); highest among the groups gnomAD compares: African/African-American, 0.0054%; no homozygotes.

Submissions (5):

Labcorp Genetics (formerly Invitae), Labcorp
Classification: Likely benign. Last evaluated: 2025-04-02. Review status: criteria provided, single submitter. Criteria: Invitae Variant Classification Sherloc (09022015). Collection method: clinical testing. Allele origin: germline.

Blueprint Genetics
Classification: Likely benign. Last evaluated: 2022-06-09. Review status: criteria provided, single submitter. Criteria: ACMG Guidelines, 2015. Collection method: clinical testing. Allele origin: germline.

Ambry Genetics
Classification: Likely benign for Inborn genetic diseases. Last evaluated: 2018-01-30. Review status: criteria provided, single submitter. Criteria: Ambry Variant Classification Scheme 2023. Collection method: clinical testing. Allele origin: germline.

Genetic Services Laboratory, University of Chicago
Classification: Uncertain significance. Last evaluated: 2016-12-02. Review status: criteria provided, single submitter. Criteria: ACMG Guidelines, 2015. Collection method: clinical testing. Allele origin: germline. Affected: no.

PreventionGenetics, part of Exact Sciences
Classification: Likely benign for RAI1-related condition. Last evaluated: 2020-06-18. Review status: no assertion criteria provided. Collection method: clinical testing. Allele origin: germline. Not counted in ClinVar's aggregate classification.
Comment: This variant is classified as likely benign based on ACMG/AMP sequence variant interpretation guidelines (Richards et al. 2015 PMID: 25741868, with internal and published modifications).